The following is an entry in ClinVar:

NM_000435.3(NOTCH3):c.1749G>A (p.Val583=)

Gene: NOTCH3 (notch receptor 3; minus strand). Cytogenetic location: 19p13.12.
Variant type: single nucleotide variant.
Coding change: c.1749G>A on transcript NM_000435.3 (MANE Select); coding-DNA position 1749, G replaced by A.
Protein change: p.Val583=; no amino-acid change (valine 583 retained).
Molecular consequence: synonymous variant.
Genome position (GRCh38, 1-based): chr19:15,187,196, C>T on the plus strand (G>A on the coding strand, the complement: NOTCH3 is on the minus strand). VCF-style: chr19-15187196-C-T. GRCh37 (hg19) VCF-style: chr19-15298007-C-T.
Identifiers: ClinVar variation 1807395 (VCV001807395.28), dbSNP rs373985781, ClinGen allele CA9263559.
Genomic context (GRCh38, chr19:15,187,196, plus strand): 5'-CTTGTCCACCAGGTCTAGGCATTTGCCGCCATGGCGGCAGGGCTGGCTGCGGCATTCGTC[C>T]ACCTGGCTCTCGCAGCGTGTGCCCGTGTAGCCAGGAGCACAGGCACATGAGAAGCTGGCG-3'
Protein context (NP_000426.2, residues 573-593): GYTGTRCESQ[Val583=]DECRSQPCRH

ClinVar aggregate classification (germline): Conflicting classifications of pathogenicity. Review status: criteria provided, conflicting classifications (1 of 4 stars). 3 submissions from 3 submitters: Uncertain significance (1); Likely benign (2). Last evaluated 2023-06-11.

Allele frequency attached by ClinVar (database versions not stated): ExAC 0.00003; gnomAD 0.00003; TOPMed 0.00003; gnomAD exomes 0.00004; ESP Exome Variant Server 0.00015.
gnomAD v4.1: 70 of 1,613,968 alleles (0.0043%); highest among the groups gnomAD compares: Non-Finnish European, 0.0053%; no homozygotes.

Submissions (3):

Labcorp Genetics (formerly Invitae), Labcorp
Classification: Likely benign. Last evaluated: 2023-06-11. Review status: criteria provided, single submitter. Criteria: Invitae Variant Classification Sherloc (09022015). Collection method: clinical testing. Allele origin: germline.

CeGaT Center for Human Genetics Tuebingen
Classification: Likely benign. Last evaluated: 2022-07-01. Review status: criteria provided, single submitter. Criteria: CeGaT Center For Human Genetics Tuebingen Variant Classification Criteria Version 2. Collection method: clinical testing. Allele origin: germline. Affected: yes. Observed: 1 variant allele.
Comment: NOTCH3: BP7, BS2

Athena Diagnostics
Classification: Uncertain significance. Last evaluated: 2022-06-24. Review status: criteria provided, single submitter. Criteria: Athena Diagnostics Criteria. Collection method: clinical testing. Allele origin: unknown.